The following is an entry in ClinVar:

ClinVar aggregate classification (germline): Pathogenic. Review status: criteria provided, multiple submitters, no conflicts (2 of 4 stars). 2 submissions from 2 submitters: Pathogenic (2). Last evaluated 2024-05-31.

Conditions:
Hereditary cancer-predisposing syndrome. Also called: Hereditary Cancer Syndrome; Tumor predisposition; Hereditary neoplastic syndrome; Neoplastic Syndromes, Hereditary. Identifiers: Orphanet 140162, MedGen C0027672, MeSH D009386, MONDO:0015356.

Submissions (2):

Ambry Genetics
Classification: Pathogenic for Hereditary cancer-predisposing syndrome. Last evaluated: 2024-05-31. Review status: criteria provided, single submitter. Criteria: Ambry Variant Classification Scheme 2023. Collection method: clinical testing. Allele origin: germline.
Comment: The c.7339_7340delAA pathogenic mutation, located in coding exon 13 of the BRCA2 gene, results from a deletion of two nucleotides at nucleotide positions 7339 to 7340, causing a translational frameshift with a predicted alternate stop codon (p.N2447*). This variant is considered to be rare based on population cohorts in the Genome Aggregation Database (gnomAD). This alteration is expected to result in loss of function by premature protein truncation or nonsense-mediated mRNA decay. As such, this alteration is interpreted as a disease-causing mutation.

Revvity Omics, Revvity
Classification: Pathogenic. Last evaluated: 2024-05-08. Review status: criteria provided, single submitter. Criteria: ACMG Guidelines, 2015. Collection method: clinical testing. Allele origin: germline.

NM_000059.4(BRCA2):c.7339_7340del (p.Lys2446_Asn2447insTer)

Gene: BRCA2 (BRCA2 DNA repair associated; plus strand). Cytogenetic location: 13q13.1.
Variant type: Deletion.
Coding change: c.7339_7340del on transcript NM_000059.4 (MANE Select); coding-DNA positions 7339 to 7340, 2 bases deleted (AA; older notation c.7339_7340delAA).
Protein change: p.Lys2446_Asn2447insTer.
Molecular consequence: nonsense. On other transcripts: frameshift variant (1), non-coding transcript variant (1).
Genome position (GRCh38, 1-based): chr13:32,355,192-32,355,193, AA deleted; deleting any 2 consecutive bases within chr13:32,355,189-32,355,193 gives the same sequence; the c. name uses the placement nearest the transcript's 3' end. VCF-style (leftmost placement, unchanged base first): chr13-32355188-TAA-T. GRCh37 (hg19) VCF-style: chr13-32929325-TAA-T.
Other names: c.7339_7340delAA, p.Asn2447Terfs (NM_000059.3); c.7243_7244del, p.Lys2414_Asn2415insTer (NM_001406719.1); c.7339_7340del, p.Lys2446_Asn2447insTer (NM_001406720.1); c.2407_2408del, p.Lys802_Asn803insTer (NM_001406721.1); c.922_923del, p.Lys307_Asn308insTer (NM_001406722.1); c.7339_7340del (NM_000059.3).
Identifiers: ClinVar variation 3261627 (VCV003261627.2).